The following is an entry in ClinVar:

NM_033100.4(CDHR1):c.2210G>T (p.Arg737Leu)

Gene: CDHR1 (cadherin related family member 1; plus strand). Cytogenetic location: 10q23.1.
Variant type: single nucleotide variant.
Coding change: c.2210G>T on transcript NM_033100.4 (MANE Select); coding-DNA position 2210, G replaced by T.
Protein change: p.Arg737Leu; replaces arginine 737 with leucine.
Molecular consequence: missense variant. On other transcripts: intron variant (1).
Genome position (GRCh38, 1-based): chr10:84,214,251, G>T. VCF-style: chr10-84214251-G-T. GRCh37 (hg19) VCF-style: chr10-85974007-G-T.
Other names: c.2040+903G>T (NM_001171971.3); c.2210G>T (NM_033100.3); short protein forms R737L.
Identifiers: ClinVar variation 1643723 (VCV001643723.11), dbSNP rs549060738, ClinGen allele CA5580170.

ClinVar aggregate classification (germline): Conflicting classifications of pathogenicity. Review status: criteria provided, conflicting classifications (1 of 4 stars). 3 submissions from 3 submitters: Uncertain significance (1); Likely benign (1). 1 of the submissions does not count toward it. Last evaluated 2025-12-08.

Conditions:
CDHR1-related disorder. Also called: CDHR1-related condition.

Allele frequency attached by ClinVar (database versions not stated): gnomAD 0.00003 and 0.00005; ExAC 0.00021.
gnomAD v4.1: 90 of 1,613,482 alleles (0.0056%); highest among the groups gnomAD compares: Admixed American, 0.15%; no homozygotes.

Submissions (3):

Labcorp Genetics (formerly Invitae), Labcorp
Classification: Likely benign. Last evaluated: 2025-12-08. Review status: criteria provided, single submitter. Criteria: Invitae Variant Classification Sherloc (09022015). Collection method: clinical testing. Allele origin: germline.

Blueprint Genetics
Classification: Uncertain significance. Last evaluated: 2022-06-13. Review status: criteria provided, single submitter. Criteria: ACMG Guidelines, 2015. Collection method: clinical testing. Allele origin: germline.

PreventionGenetics, part of Exact Sciences
Classification: Likely benign for CDHR1-related condition. Last evaluated: 2022-07-28. Review status: no assertion criteria provided. Collection method: clinical testing. Allele origin: germline. Not counted in ClinVar's aggregate classification.
Comment: This variant is classified as likely benign based on ACMG/AMP sequence variant interpretation guidelines (Richards et al. 2015 PMID: 25741868, with internal and published modifications).